The following is an entry in ClinVar:

NM_001267550.2(TTN):c.89030G>A (p.Ser29677Asn)

Genes: TTN (titin; minus strand), TTN-AS1 (TTN antisense RNA 1; plus strand). Cytogenetic location: 2q31.2.
Variant type: single nucleotide variant.
Coding change: c.89030G>A on transcript NM_001267550.2 (MANE Select); coding-DNA position 89030, G replaced by A.
Protein change: p.Ser29677Asn; replaces serine 29677 with asparagine.
Molecular consequence: missense variant.
Genome position (GRCh38, 1-based): chr2:178,554,081, C>T on the plus strand (G>A on the coding strand, the complement: TTN is on the minus strand). VCF-style: chr2-178554081-C-T. GRCh37 (hg19) VCF-style: chr2-179418808-C-T.
Other names: c.84107G>A, p.Ser28036Asn (NM_001256850.1); c.61835G>A, p.Ser20612Asn (NM_003319.4); c.81326G>A, p.Ser27109Asn (NM_133378.4); c.62210G>A, p.Ser20737Asn (NM_133432.3); c.62411G>A, p.Ser20804Asn (NM_133437.4); short protein forms S20612N, S20737N, S20804N, S29677N, S27109N, S28036N.
Identifiers: ClinVar variation 1752076 (VCV001752076.2), dbSNP rs1553544301, ClinGen allele CA349521492.

ClinVar aggregate classification (germline): Uncertain significance (1 of 4 stars; one submission).

Conditions:
Cardiovascular phenotype. Identifiers: MedGen CN230736.

Allele frequency attached by ClinVar (database versions not stated): TOPMed below 0.00001.

Submission:

Ambry Genetics
Classification: Uncertain significance for Cardiovascular phenotype. Last evaluated: 2019-03-19. Review status: criteria provided, single submitter. Criteria: Ambry Variant Classification Scheme 2023. Collection method: clinical testing. Allele origin: germline.
Comment: The p.S20612N variant (also known as c.61835G>A), located in coding exon 160 of the TTN gene, results from a G to A substitution at nucleotide position 61835. The serine at codon 20612 is replaced by asparagine, an amino acid with highly similar properties. This amino acid position is highly conserved in available vertebrate species. In addition, this alteration is predicted to be tolerated by in silico analysis. Since supporting evidence is limited at this time, the clinical significance of this alteration remains unclear.